The following is an entry in ClinVar:

ClinVar aggregate classification (germline): Uncertain significance (1 of 4 stars; one submission).

Allele frequency attached by ClinVar (database versions not stated): gnomAD exomes 0.00001; gnomAD 0.00002; TOPMed 0.00002.
gnomAD v4.1: 15 of 1,593,646 alleles (0.00094%); highest among the groups gnomAD compares: African/African-American, 0.0027%; no homozygotes.

Submission:

Labcorp Genetics (formerly Invitae), Labcorp
Classification: Uncertain significance. Last evaluated: 2024-04-02. Review status: criteria provided, single submitter. Criteria: Invitae Variant Classification Sherloc (09022015). Collection method: clinical testing. Allele origin: germline.
Comment: This sequence change replaces proline, which is neutral and non-polar, with leucine, which is neutral and non-polar, at codon 738 of the KIF2A protein (p.Pro738Leu). The frequency data for this variant in the population databases is considered unreliable, as metrics indicate poor data quality at this position in the gnomAD database. This variant has not been reported in the literature in individuals affected with KIF2A-related conditions. ClinVar contains an entry for this variant (Variation ID: 2422091). An algorithm developed to predict the effect of missense changes on protein structure and function (PolyPhen-2) suggests that this variant is likely to be tolerated. In summary, the available evidence is currently insufficient to determine the role of this variant in disease. Therefore, it has been classified as a Variant of Uncertain Significance.

NM_001098511.3(KIF2A):c.2213C>T (p.Pro738Leu)

Gene: KIF2A (kinesin family member 2A; plus strand). Cytogenetic location: 5q12.1.
Variant type: single nucleotide variant.
Coding change: c.2213C>T on transcript NM_001098511.3 (MANE Select); coding-DNA position 2213, C replaced by T.
Protein change: p.Pro738Leu; replaces proline 738 with leucine.
Molecular consequence: missense variant.
Genome position (GRCh38, 1-based): chr5:62,385,547, C>T. VCF-style: chr5-62385547-C-T. GRCh37 (hg19) VCF-style: chr5-61681374-C-T.
Other names: c.2018C>T, p.Pro673Leu (NM_001243952.2); c.2042C>T, p.Pro681Leu (NM_001243953.2); c.2099C>T, p.Pro700Leu (NM_004520.5); short protein forms P673L, P681L, P700L, P738L.
Identifiers: ClinVar variation 2422091 (VCV002422091.6), dbSNP rs1351592249, ClinGen allele CA359822952.
Genomic context (GRCh38, chr5:62,385,547, plus strand): 5'-AAGTGAAATCTTTCCGTGCAGCTCTACAAGAGGAGGAACAAGCCAGCAAGCAAATCAACC[C>T]GAAGAGACCCCGTGCCCTTTAAACCGGCATTTGCTGCTAAAGGATACCCAGAACCCTCAC-3'
Protein context (NP_001091981.1, residues 728-744): EEEQASKQIN[Pro738Leu]KRPRAL